The following is an entry in ClinVar:

ClinVar aggregate classification (germline): Uncertain significance (1 of 4 stars; one submission).

Conditions:
Early Myoclonic Encephalopathy. Identifiers: MedGen C0270855.

Allele frequency attached by ClinVar (database versions not stated): TOPMed 0.00003; gnomAD exomes 0.00001; gnomAD 0.00002.
gnomAD v4.1: 5 of 1,577,396 alleles (0.00032%); highest among the groups gnomAD compares: African/African-American, 0.0067%; no homozygotes.

Submission:

Labcorp Genetics (formerly Invitae), Labcorp
Classification: Uncertain significance for Early Myoclonic Encephalopathy. Last evaluated: 2024-07-22. Review status: criteria provided, single submitter. Criteria: Invitae Variant Classification Sherloc (09022015). Collection method: clinical testing. Allele origin: germline.
Comment: This sequence change falls in intron 13 of the JMJD1C gene. It does not directly change the encoded amino acid sequence of the JMJD1C protein. It affects a nucleotide within the consensus splice site. The frequency data for this variant in the population databases is considered unreliable, as metrics indicate poor data quality at this position in the gnomAD database. This variant has not been reported in the literature in individuals affected with JMJD1C-related conditions. ClinVar contains an entry for this variant (Variation ID: 952519). Variants that disrupt the consensus splice site are a relatively common cause of aberrant splicing (PMID: 17576681, 9536098). Algorithms developed to predict the effect of sequence changes on RNA splicing suggest that this variant is not likely to affect RNA splicing. In summary, the available evidence is currently insufficient to determine the role of this variant in disease. Therefore, it has been classified as a Variant of Uncertain Significance.

Literature cited by the submitters: PubMed 17576681; PubMed 9536098.

NM_032776.3(JMJD1C):c.5645-3C>T

Gene: JMJD1C (jumonji domain containing 1C; minus strand). Cytogenetic location: 10q21.3.
Variant type: single nucleotide variant.
Coding change: c.5645-3C>T on transcript NM_032776.3 (MANE Select); 3 bases into the intron before coding-DNA position 5645, C replaced by T.
Molecular consequence: intron variant.
Genome position (GRCh38, 1-based): chr10:63,194,378, G>A on the plus strand (C>T on the coding strand, the complement: JMJD1C is on the minus strand). VCF-style: chr10-63194378-G-A. GRCh37 (hg19) VCF-style: chr10-64954138-G-A.
Other names: c.4988-3C>T (NM_001322258.2, NM_001322254.2); c.5099-3C>T (NM_001318154.2, NM_001282948.2); c.5531-3C>T (NM_001322252.2); c.4781-3C>T (NM_001318153.2).
Identifiers: ClinVar variation 952519 (VCV000952519.9), dbSNP rs1392568116, ClinGen allele CA593904833.